The following is an entry in ClinVar:

ClinVar aggregate classification (germline): Uncertain significance (1 of 4 stars; one submission).

Submission:

Ambry Genetics
Classification: Uncertain significance. Last evaluated: 2025-04-01. Review status: criteria provided, single submitter. Criteria: Ambry Variant Classification Scheme 2023. Collection method: clinical testing. Allele origin: germline.
Comment: The p.G977R variant (also known as c.2929G>C), located in coding exon 26 of the KIF1B gene, results from a G to C substitution at nucleotide position 2929. The glycine at codon 977 is replaced by arginine, an amino acid with dissimilar properties. This amino acid position is conserved. In addition, this alteration is predicted to be deleterious by in silico analysis. Based on the available evidence, the clinical significance of this variant remains unclear.

NM_001365951.3(KIF1B):c.3067G>C (p.Gly1023Arg)

Gene: KIF1B (kinesin family member 1B; plus strand). Cytogenetic location: 1p36.22.
Variant type: single nucleotide variant.
Coding change: c.3067G>C on transcript NM_001365951.3 (MANE Select); coding-DNA position 3067, G replaced by C.
Protein change: p.Gly1023Arg; replaces glycine 1023 with arginine.
Molecular consequence: missense variant.
Genome position (GRCh38, 1-based): chr1:10,336,680, G>C. VCF-style: chr1-10336680-G-C. GRCh37 (hg19) VCF-style: chr1-10396738-G-C.
Other names: c.3067G>C, p.Gly1023Arg (NM_001365952.1); c.2929G>C, p.Gly977Arg (NM_015074.3); short protein forms G977R, G1023R.
Identifiers: ClinVar variation 4043096 (VCV004043096.1).